The following is an entry in ClinVar:

NM_001365999.1(SZT2):c.653C>T (p.Ser218Leu)

Gene: SZT2 (SZT2 subunit of KICSTOR complex; plus strand). Cytogenetic location: 1p34.2.
Variant type: single nucleotide variant.
Coding change: c.653C>T on transcript NM_001365999.1 (MANE Select); coding-DNA position 653, C replaced by T.
Protein change: p.Ser218Leu; replaces serine 218 with leucine.
Molecular consequence: missense variant.
Genome position (GRCh38, 1-based): chr1:43,415,982, C>T. VCF-style: chr1-43415982-C-T. GRCh37 (hg19) VCF-style: chr1-43881653-C-T.
Other names: c.653C>T, p.Ser218Leu (NM_015284.4); short protein forms S218L.
Identifiers: ClinVar variation 661202 (VCV000661202.11), dbSNP rs376862612, ClinGen allele CA808244.
Genomic context (GRCh38, chr1:43,415,982, plus strand): 5'-CATCTGCCCCATTCTGTCTTTTCTGTAACTTGGGGCAGGCAGAAGACCAGTCCCCAGACT[C>T]AGGGGACCTACTGGGCCGGAAGGTAGGCGTCTCCATGGTGACAGCTGATCTTGGGCTGGT-3'
Protein context (NP_001352928.1, residues 208-228): QSQAEDQSPD[Ser218Leu]GDLLGRKVGV

ClinVar aggregate classification (germline): Uncertain significance. Review status: criteria provided, multiple submitters, no conflicts (2 of 4 stars). 6 submissions from 6 submitters: Uncertain significance (6). Last evaluated 2026-02-03.

Conditions:
SZT2-related disorder. Also called: SZT2-related condition.
Developmental and epileptic encephalopathy, 18 (DEE18). Also called: Early infantile epileptic encephalopathy 18. Identifiers: Orphanet 369894, MedGen C3809624, MONDO:0014201, OMIM 615476.
Inborn genetic diseases. Identifiers: MedGen C0950123, MeSH D030342.

Allele frequency attached by ClinVar (database versions not stated): gnomAD exomes 0.00001 and 0.00003; ExAC 0.00005; TOPMed 0.00007; gnomAD 0.00012 and 0.00013; 1000 Genomes Project 30x 0.00016; ESP Exome Variant Server 0.00017; 1000 Genomes Project 0.00020.
gnomAD v4.1: 32 of 1,597,922 alleles (0.002%); highest among the groups gnomAD compares: African/African-American, 0.04%; no homozygotes.

Submissions (6):

PreventionGenetics, part of Exact Sciences
Classification: Uncertain significance for SZT2-related condition. Last evaluated: 2026-02-03. Review status: criteria provided, single submitter. Criteria: ACMG Guidelines, 2015. Collection method: clinical testing. Allele origin: germline.
Comment: The SZT2 c.653C>T variant is predicted to result in the amino acid substitution p.Ser218Leu. To our knowledge, this variant has not been reported in the literature. This variant has been reported in 0.058% of alleles in individuals of African descent in gnomAD v2. However, in gnomAD v4 (available only on GRCh38), this variant is reported in 0.034% of alleles in a subpopulation. At this time, the clinical significance of this variant is uncertain due to the absence of conclusive functional and genetic evidence.

GeneDx
Classification: Uncertain significance. Last evaluated: 2024-10-30. Review status: criteria provided, single submitter. Criteria: GeneDx Variant Classification Process June 2021. Collection method: clinical testing. Allele origin: germline. Affected: yes.
Comment: In silico analysis indicates that this missense variant does not alter protein structure/function; Has not been previously published as pathogenic or benign to our knowledge

Ambry Genetics
Classification: Uncertain significance for Inborn genetic diseases. Last evaluated: 2023-10-24. Review status: criteria provided, single submitter. Criteria: Ambry Variant Classification Scheme 2023. Collection method: clinical testing. Allele origin: germline.

Genome-Nilou Lab
Classification: Uncertain significance for Developmental and epileptic encephalopathy, 18. Last evaluated: 2023-04-11. Review status: criteria provided, single submitter. Criteria: ACMG Guidelines, 2015. Collection method: clinical testing. Allele origin: germline. Affected: no.

Labcorp Genetics (formerly Invitae), Labcorp
Classification: Uncertain significance. Last evaluated: 2022-08-22. Review status: criteria provided, single submitter. Criteria: Invitae Variant Classification Sherloc (09022015). Collection method: clinical testing. Allele origin: germline.
Comment: This sequence change replaces serine, which is neutral and polar, with leucine, which is neutral and non-polar, at codon 218 of the SZT2 protein (p.Ser218Leu). This variant is present in population databases (rs376862612, gnomAD 0.06%). This variant has not been reported in the literature in individuals affected with SZT2-related conditions. ClinVar contains an entry for this variant (Variation ID: 661202). Algorithms developed to predict the effect of missense changes on protein structure and function are either unavailable or do not agree on the potential impact of this missense change (SIFT: "Deleterious"; PolyPhen-2: "Benign"; Align-GVGD: "Class C0"). In summary, the available evidence is currently insufficient to determine the role of this variant in disease. Therefore, it has been classified as a Variant of Uncertain Significance.

Fulgent Genetics
Classification: Uncertain significance for Developmental and epileptic encephalopathy, 18. Last evaluated: 2021-12-08. Review status: criteria provided, single submitter. Criteria: ACMG Guidelines, 2015. Collection method: clinical testing. Allele origin: unknown.